The following is an entry in ClinVar:

NM_000395.3(CSF2RB):c.2050G>C (p.Gly684Arg)

Gene: CSF2RB (colony stimulating factor 2 receptor subunit beta; plus strand). Cytogenetic location: 22q12.3.
Variant type: single nucleotide variant.
Coding change: c.2050G>C on transcript NM_000395.3 (MANE Select); coding-DNA position 2050, G replaced by C.
Protein change: p.Gly684Arg; replaces glycine 684 with arginine.
Molecular consequence: missense variant.
Genome position (GRCh38, 1-based): chr22:36,937,858, G>C. VCF-style: chr22-36937858-G-C. GRCh37 (hg19) VCF-style: chr22-37333900-G-C.
Other names: c.2050G>C (NM_000395.2); short protein forms G684R.
Identifiers: ClinVar variation 1414280 (VCV001414280.8), dbSNP rs150659075, ClinGen allele CA10214030.

ClinVar aggregate classification (germline): Uncertain significance. Review status: criteria provided, single submitter (1 of 4 stars). 2 submissions from 2 submitters: Uncertain significance (1). 1 of the submissions does not count toward it. Last evaluated 2025-10-03.

Conditions:
CSF2RB-related disorder. Also called: CSF2RB-related condition.

Allele frequency attached by ClinVar (database versions not stated): gnomAD 0.00010 and 0.00012; TOPMed 0.00022; gnomAD exomes 0.00026; 1000 Genomes Project 30x 0.00031; ExAC 0.00031; ESP Exome Variant Server 0.00031; 1000 Genomes Project 0.00040.
gnomAD v4.1: 324 of 1,613,864 alleles (0.02%); highest among the groups gnomAD compares: Middle Eastern, 0.066%; no homozygotes.

Submissions (2):

Labcorp Genetics (formerly Invitae), Labcorp
Classification: Uncertain significance. Last evaluated: 2025-10-03. Review status: criteria provided, single submitter. Criteria: Invitae Variant Classification Sherloc (09022015). Collection method: clinical testing. Allele origin: germline.
Comment: This sequence change replaces glycine, which is neutral and non-polar, with arginine, which is basic and polar, at codon 684 of the CSF2RB protein (p.Gly684Arg). This variant is present in population databases (rs150659075, gnomAD 0.2%), and has an allele count higher than expected for a pathogenic variant. This variant has not been reported in the literature in individuals affected with CSF2RB-related conditions. ClinVar contains an entry for this variant (Variation ID: 1414280). Invitae Evidence Modeling of protein sequence and biophysical properties (such as structural, functional, and spatial information, amino acid conservation, physicochemical variation, residue mobility, and thermodynamic stability) indicates that this missense variant is not expected to disrupt CSF2RB protein function with a negative predictive value of 80%. In summary, the available evidence is currently insufficient to determine the role of this variant in disease. Therefore, it has been classified as a Variant of Uncertain Significance.

PreventionGenetics, part of Exact Sciences
Classification: Likely benign for CSF2RB-related condition. Last evaluated: 2022-02-16. Review status: no assertion criteria provided. Collection method: clinical testing. Allele origin: germline. Not counted in ClinVar's aggregate classification.
Comment: This variant is classified as likely benign based on ACMG/AMP sequence variant interpretation guidelines (Richards et al. 2015 PMID: 25741868, with internal and published modifications).